The following is an entry in ClinVar:

ClinVar aggregate classification (germline): Uncertain significance (1 of 4 stars; one submission).

Conditions:
DICER1-related tumor predisposition. Also called: DICER1 syndrome; DICER1-related pleuropulmonary blastoma cancer predisposition syndrome. Identifiers: Orphanet 284343, MedGen C3839822, MONDO:0100216.

Submission:

Labcorp Genetics (formerly Invitae), Labcorp
Classification: Uncertain significance for DICER1-related tumor predisposition. Last evaluated: 2024-04-11. Review status: criteria provided, single submitter. Criteria: Invitae Variant Classification Sherloc (09022015). Collection method: clinical testing. Allele origin: germline.
Comment: This sequence change replaces alanine, which is neutral and non-polar, with valine, which is neutral and non-polar, at codon 510 of the DICER1 protein (p.Ala510Val). This variant is not present in population databases (gnomAD no frequency). This variant has not been reported in the literature in individuals affected with DICER1-related conditions. ClinVar contains an entry for this variant (Variation ID: 938156). Advanced modeling of protein sequence and biophysical properties (such as structural, functional, and spatial information, amino acid conservation, physicochemical variation, residue mobility, and thermodynamic stability) performed at Invitae indicates that this missense variant is not expected to disrupt DICER1 protein function with a negative predictive value of 80%. In summary, the available evidence is currently insufficient to determine the role of this variant in disease. Therefore, it has been classified as a Variant of Uncertain Significance.

NM_177438.3(DICER1):c.1529C>T (p.Ala510Val)

Gene: DICER1 (dicer 1, ribonuclease III; minus strand). Cytogenetic location: 14q32.13.
Variant type: single nucleotide variant.
Coding change: c.1529C>T on transcript NM_177438.3 (MANE Select); coding-DNA position 1529, C replaced by T.
Protein change: p.Ala510Val; replaces alanine 510 with valine.
Molecular consequence: missense variant.
Genome position (GRCh38, 1-based): chr14:95,116,676, G>A on the plus strand (C>T on the coding strand, the complement: DICER1 is on the minus strand). VCF-style: chr14-95116676-G-A. GRCh37 (hg19) VCF-style: chr14-95583013-G-A.
Other names: c.1529C>T, p.Ala510Val (NM_001195573.1, NM_001271282.3, NM_001291628.2 and 1 more transcripts); short protein forms A510V.
Identifiers: ClinVar variation 938156 (VCV000938156.11), dbSNP rs1892504761, ClinGen allele CA390885182.
Genomic context (GRCh38, chr14:95,116,676, plus strand): 5'-TTTGGTATATCAACACCCTCTTCTACAATACTTGTTGCAATAAGCAGGTTGGTCTCATGT[G>A]CTCGAAATTTCCTAAGTACCTGAAAAAAAAAATCCACCAAGAAAAGCACTTCTAAGAAAA-3'
Protein context (NP_803187.1, residues 500-520): KQEEVLRKFR[Ala510Val]HETNLLIATS